The following is an entry in ClinVar:

NM_000628.5(IL10RB):c.511C>A (p.Pro171Thr)

Genes: IL10RB (interleukin 10 receptor subunit beta; plus strand), IFNAR2-IL10RB (IFNAR2-IL10RB readthrough; plus strand). Cytogenetic location: 21q22.11.
Variant type: single nucleotide variant.
Coding change: c.511C>A on transcript NM_000628.5 (MANE Select); coding-DNA position 511, C replaced by A.
Protein change: p.Pro171Thr; replaces proline 171 with threonine.
Molecular consequence: missense variant.
Genome position (GRCh38, 1-based): chr21:33,283,106, C>A. VCF-style: chr21-33283106-C-A. GRCh37 (hg19) VCF-style: chr21-34655411-C-A.
Other names: short protein forms P171T.
Identifiers: ClinVar variation 1045369 (VCV001045369.6), dbSNP rs752902509, ClinGen allele CA410110156.

ClinVar aggregate classification (germline): Uncertain significance (1 of 4 stars; one submission).

Conditions:
Inflammatory bowel disease 25. Also called: Inflammatory bowel disease 25, early onset, autosomal recessive. Identifiers: Orphanet 238569, MedGen C2675508, MONDO:0012941, OMIM 612567.

Allele frequency attached by ClinVar (database versions not stated): TOPMed 0.00001.
gnomAD v4.1: 10 of 1,612,888 alleles (0.00062%); highest among the groups gnomAD compares: Admixed American, 0.015%; no homozygotes.

Submission:

Labcorp Genetics (formerly Invitae), Labcorp
Classification: Uncertain significance for Inflammatory bowel disease 25. Last evaluated: 2021-09-01. Review status: criteria provided, single submitter. Criteria: Invitae Variant Classification Sherloc (09022015). Collection method: clinical testing. Allele origin: germline.
Comment: This sequence change replaces proline with threonine at codon 171 of the IL10RB protein (p.Pro171Thr). The proline residue is weakly conserved and there is a small physicochemical difference between proline and threonine. This variant is not present in population databases (ExAC no frequency). This variant has not been reported in the literature in individuals affected with IL10RB-related conditions. Algorithms developed to predict the effect of missense changes on protein structure and function (SIFT, PolyPhen-2, Align-GVGD) all suggest that this variant is likely to be tolerated. In summary, the available evidence is currently insufficient to determine the role of this variant in disease. Therefore, it has been classified as a Variant of Uncertain Significance.